The following is an entry in ClinVar:

NM_000744.7(CHRNA4):c.466A>G (p.Ile156Val)

Gene: CHRNA4 (cholinergic receptor nicotinic alpha 4 subunit; minus strand). Cytogenetic location: 20q13.33.
Variant type: single nucleotide variant.
Coding change: c.466A>G on transcript NM_000744.7 (MANE Select); coding-DNA position 466, A replaced by G.
Protein change: p.Ile156Val; replaces isoleucine 156 with valine.
Molecular consequence: missense variant. On other transcripts: 5 prime UTR variant (1), non-coding transcript variant (1).
Genome position (GRCh38, 1-based): chr20:63,350,945, T>C on the plus strand (A>G on the coding strand, the complement: CHRNA4 is on the minus strand). VCF-style: chr20-63350945-T-C. GRCh37 (hg19) VCF-style: chr20-61982297-T-C.
Other names: c.-63A>G (NM_001256573.2); short protein forms I156V.
Identifiers: ClinVar variation 497246 (VCV000497246.8), dbSNP rs754895704, ClinGen allele CA9957796.

ClinVar aggregate classification (germline): Uncertain significance. Review status: criteria provided, multiple submitters, no conflicts (2 of 4 stars). 2 submissions from 2 submitters: Uncertain significance (2). Last evaluated 2024-10-10.

Conditions:
Familial sleep-related hypermotor epilepsy. Also called: Autosomal Dominant Sleep-Related Hypermotor (Hyperkinetic) Epilepsy. Identifiers: Orphanet 98784, MedGen C3696898, MONDO:0000030.

Allele frequency attached by ClinVar (database versions not stated): ExAC 0.00001.

Submissions (2):

Labcorp Genetics (formerly Invitae), Labcorp
Classification: Uncertain significance. Last evaluated: 2024-10-10. Review status: criteria provided, single submitter. Criteria: Invitae Variant Classification Sherloc (09022015). Collection method: clinical testing. Allele origin: germline.
Comment: This sequence change replaces isoleucine, which is neutral and non-polar, with valine, which is neutral and non-polar, at codon 156 of the CHRNA4 protein (p.Ile156Val). This variant is not present in population databases (gnomAD no frequency). This variant has not been reported in the literature in individuals affected with CHRNA4-related conditions. ClinVar contains an entry for this variant (Variation ID: 497246). Invitae Evidence Modeling of protein sequence and biophysical properties (such as structural, functional, and spatial information, amino acid conservation, physicochemical variation, residue mobility, and thermodynamic stability) indicates that this missense variant is not expected to disrupt CHRNA4 protein function with a negative predictive value of 80%. In summary, the available evidence is currently insufficient to determine the role of this variant in disease. Therefore, it has been classified as a Variant of Uncertain Significance.

Eurofins Ntd Llc (ga)
Classification: Uncertain significance. Last evaluated: 2016-09-29. Review status: criteria provided, single submitter. Criteria: EGL Classification Definitions 2015. Collection method: clinical testing. Allele origin: germline. Observed: 1 variant allele, 1 heterozygote.